The following is an entry in ClinVar:

ClinVar aggregate classification (germline): Conflicting classifications of pathogenicity. Review status: criteria provided, conflicting classifications (1 of 4 stars). 4 submissions from 4 submitters: Uncertain significance (2); Benign (1); Likely benign (1). Last evaluated 2025-05-05.

Conditions:
COL11A1-related disorder. Also called: COL11A1-related condition; COL11A1-related disorders.

Allele frequency attached by ClinVar (database versions not stated): gnomAD exomes below 0.00001; gnomAD 0.00006 and 0.00008; TOPMed 0.00007.
gnomAD v4.1: 13 of 1,612,408 alleles (0.00081%); highest among the groups gnomAD compares: African/African-American, 0.017%; no homozygotes.

Submissions (4):

GeneDx
Classification: Uncertain significance. Last evaluated: 2025-05-05. Review status: criteria provided, single submitter. Criteria: GeneDx Variant Classification Process June 2021. Collection method: clinical testing. Allele origin: germline. Affected: yes.
Comment: Not observed at significant frequency in large population cohorts (gnomAD); In silico analysis suggests that this missense variant does not alter protein structure/function; Has not been previously published as pathogenic or benign to our knowledge; Not located in the triple helical region, where the majority of pathogenic missense variants occur (HGMD; PMID: 25240749); This variant is associated with the following publications: (PMID: 25240749)

PreventionGenetics, part of Exact Sciences
Classification: Uncertain significance for COL11A1-related condition. Last evaluated: 2025-03-31. Review status: criteria provided, single submitter. Criteria: ACMG Guidelines, 2015. Collection method: clinical testing. Allele origin: germline.
Comment: The COL11A1 c.269T>A variant is predicted to result in the amino acid substitution p.Phe90Tyr. To our knowledge, this variant has not been reported in the literature. This variant is reported in 0.0080% of alleles in individuals of African descent in gnomAD. At this time, the clinical significance of this variant is uncertain due to the absence of conclusive functional and genetic evidence.

Women's Health and Genetics/Laboratory Corporation of America, LabCorp
Classification: Likely benign. Last evaluated: 2025-01-15. Review status: criteria provided, single submitter. Criteria: LabCorp Variant Classification Summary - May 2015. Collection method: clinical testing. Allele origin: germline.
Comment: Variant summary: COL11A1 c.269T>A (p.Phe90Tyr) results in a conservative amino acid change located in the Thrombospondin-like, N-terminal domain (IPR048287) of the encoded protein sequence. Four of five in-silico tools predict a benign effect of the variant on protein function. The variant allele was found at a frequency of 8.1e-06 in 1605424 control chromosomes, predominantly at a frequency of 0.00017 within the African or African-American subpopulation in the gnomAD database. The occurrence in several carriers suggests that the variant is not causal for a dominant, high penetrance, early onset disease. To our knowledge, no occurrence of c.269T>A in individuals affected with Stickler Syndrome and no experimental evidence demonstrating its impact on protein function have been reported. ClinVar contains an entry for this variant (Variation ID: 1416479). Based on the evidence outlined above, the variant was classified as likely benign.

Labcorp Genetics (formerly Invitae), Labcorp
Classification: Benign. Last evaluated: 2023-09-13. Review status: criteria provided, single submitter. Criteria: Invitae Variant Classification Sherloc (09022015). Collection method: clinical testing. Allele origin: germline.

NM_001854.4(COL11A1):c.269T>A (p.Phe90Tyr)

Gene: COL11A1 (collagen type XI alpha 1 chain; minus strand). Cytogenetic location: 1p21.1.
Variant type: single nucleotide variant.
Coding change: c.269T>A on transcript NM_001854.4 (MANE Select); coding-DNA position 269, T replaced by A.
Protein change: p.Phe90Tyr; replaces phenylalanine 90 with tyrosine.
Molecular consequence: missense variant. On other transcripts: non-coding transcript variant (1).
Genome position (GRCh38, 1-based): chr1:103,082,810, A>T on the plus strand (T>A on the coding strand, the complement: COL11A1 is on the minus strand). VCF-style: chr1-103082810-A-T. GRCh37 (hg19) VCF-style: chr1-103548366-A-T.
Other names: c.269T>A, p.Phe90Tyr (NM_001190709.2, NM_080629.3, NM_080630.4); c.269T>A (NM_001854.3); short protein forms F90Y.
Identifiers: ClinVar variation 1416479 (VCV001416479.10), dbSNP rs986681092, ClinGen allele CA27756255.